The following is an entry in ClinVar:

ClinVar aggregate classification (germline): Uncertain significance (1 of 4 stars; one submission).

Submission:

Labcorp Genetics (formerly Invitae), Labcorp
Classification: Uncertain significance. Last evaluated: 2022-01-19. Review status: criteria provided, single submitter. Criteria: Invitae Variant Classification Sherloc (09022015). Collection method: clinical testing. Allele origin: germline.
Comment: In summary, the available evidence is currently insufficient to determine the role of this variant in disease. Therefore, it has been classified as a Variant of Uncertain Significance. Algorithms developed to predict the effect of missense changes on protein structure and function are either unavailable or do not agree on the potential impact of this missense change (SIFT: "Tolerated"; PolyPhen-2: "Probably Damaging"; Align-GVGD: "Class C0"). This variant has not been reported in the literature in individuals affected with LAMC3-related conditions. This variant is not present in population databases (gnomAD no frequency). This sequence change replaces proline, which is neutral and non-polar, with serine, which is neutral and polar, at codon 382 of the LAMC3 protein (p.Pro382Ser).

NM_006059.4(LAMC3):c.1144C>T (p.Pro382Ser)

Gene: LAMC3 (laminin subunit gamma 3; plus strand). Cytogenetic location: 9q34.12.
Variant type: single nucleotide variant.
Coding change: c.1144C>T on transcript NM_006059.4 (MANE Select); coding-DNA position 1144, C replaced by T.
Protein change: p.Pro382Ser; replaces proline 382 with serine.
Molecular consequence: missense variant.
Genome position (GRCh38, 1-based): chr9:131,039,031, C>T. VCF-style: chr9-131039031-C-T. GRCh37 (hg19) VCF-style: chr9-133914418-C-T.
Other names: short protein forms P382S.
Identifiers: ClinVar variation 1962864 (VCV001962864.5), dbSNP rs991761717, ClinGen allele CA200688995.